The following continues an entry in ClinVar:

NM_001130987.2(DYSF):c.4911G>T (p.Lys1637Asn)

Gene: DYSF. ClinVar aggregate classification (germline): Pathogenic. Pathogenic (1).

Submissions 7 to 12 of 12:

Baylor Genetics
Classification: Likely pathogenic for Miyoshi muscular dystrophy 1. Last evaluated: 2024-03-28. Review status: criteria provided, single submitter. Criteria: ACMG Guidelines, 2015. Collection method: clinical testing. Allele origin: unknown. Not counted in ClinVar's aggregate classification.

Revvity Omics, Revvity
Classification: Likely pathogenic. Last evaluated: 2024-02-20. Review status: criteria provided, single submitter. Criteria: ACMG Guidelines, 2015. Collection method: clinical testing. Allele origin: germline. Not counted in ClinVar's aggregate classification.

Fulgent Genetics
Classification: Likely pathogenic for Autosomal recessive limb-girdle muscular dystrophy type 2B; Miyoshi muscular dystrophy 1; Distal myopathy with anterior tibial onset. Last evaluated: 2024-02-10. Review status: criteria provided, single submitter. Criteria: ACMG Guidelines, 2015. Collection method: clinical testing. Allele origin: germline. Not counted in ClinVar's aggregate classification.

Jain Foundation
Classification: Likely pathogenic for Dysferlinopathy. Last evaluated: 2023-03-13. Review status: criteria provided, single submitter. Criteria: Rufibach et al. (J Pers Med. 2023). Collection method: research. Allele origin: unknown, not applicable. Inheritance: Autosomal recessive inheritance. Affected: yes. Observed: 4 variant alleles, 1 heterozygote, 3 compound heterozygotes. Clinical features observed: progressive muscle weakness, elevated CK. Functional consequence: sequence_variant_affecting_splicing. Not counted in ClinVar's aggregate classification.
Comment: This variant is rare with an allele frequency in gnomad of 0.0054%. This variant has been observed in individuals with dysferilnopathy (PMID: 36983702, 21520333, 27195159, 30564623). In the majority of the cases, this variant is seen in the heterozygous state in conjunction with another likely pathogenic or pathogenic DYSF variant and in one case it has been shown to be in trans with the pathogenic DYSF variant, Arg1586X (PMID: 21520333). RNAseq analysis showed that this variant causes a leaky splice site that leads to 26-30% of all transcripts and 60% of the allele with this variant having an inframe deletion of exon 43 (p.G1547_K1598del), which deletes part of C2F which leads to the loss of 6% of the dysferlin protein amino acid sequence (PMID: 36983702). The remaining 40% of the allele with this variant results in the replacement of lysine with asparagine (p.K1598N). The ACMG classification criteria are: PM2 moderate, PM3 strong, PM4 moderate, PP4 supporting. Based on the above data, this variant has been classified as Likely Pathogenic.

Eurofins Ntd Llc (ga)
Classification: Uncertain significance. Last evaluated: 2015-08-04. Review status: criteria provided, single submitter. Criteria: EGL Classification Definitions 2015. Collection method: clinical testing. Allele origin: germline. Observed: 2 variant alleles, 2 heterozygotes. Not counted in ClinVar's aggregate classification.

PreventionGenetics, part of Exact Sciences
Classification: Likely pathogenic for DYSF-related condition. Last evaluated: 2024-09-03. Review status: no assertion criteria provided. Collection method: clinical testing. Allele origin: germline. Not counted in ClinVar's aggregate classification.
Comment: The DYSF c.4794G>T variant is predicted to result in the amino acid substitution p.Lys1598Asn. This variant has been reported with a second DYSF variant in several individuals with features of DYSF-related disorders (Swaika et al. 2016. PubMed ID: 27195159; Table S7, Nallamilli et al. 2018. PubMed ID: 30564623; Table S1, Rufibach et al. 2023. PubMed ID: 36983702). This variant resides at the last nucleotide of exon 43, and RNA sequencing analysis from blood monocytes and muscle tissue from patients harboring this variant demonstrated a leaky splicing impact that resulted in an in frame skipping of exon 43 in ~26-30% of the RNA transcript (Rufibach et al. 2023. PubMed ID: 36983702). This variant is reported in 0.010% of alleles in individuals of European (non-Finnish) descent in gnomAD. This variant has conflicting interpretations, ranging from uncertain to pathogenic, in the ClinVar database. This variant is interpreted as likely pathogenic.

Literature cited by the submitters: PubMed 21520333 (cited by Labcorp Genetics (formerly Invitae), Labcorp and Jain Foundation); PubMed 27195159 (cited by 3 submitters); PubMed 30564623 (cited by 3 submitters); PubMed 33610434 (cited by Labcorp Genetics (formerly Invitae), Labcorp and Women's Health and Genetics/Laboratory Corporation of America, LabCorp); PubMed 36983702 (cited by 3 submitters); PubMed 17576681 (cited by Labcorp Genetics (formerly Invitae), Labcorp); PubMed 9536098 (cited by Labcorp Genetics (formerly Invitae), Labcorp); PubMed 27602406 (cited by Women's Health and Genetics/Laboratory Corporation of America, LabCorp); PubMed 33144682 (cited by Women's Health and Genetics/Laboratory Corporation of America, LabCorp).